The following is an entry in ClinVar:

NM_007294.4(BRCA1):c.3382C>A (p.Leu1128Met)

Genes: BRCA1 (BRCA1 DNA repair associated; minus strand), LOC126862571 (BRD4-independent group 4 enhancer GRCh37_chr17:41243136-41244335; plus strand). Cytogenetic location: 17q21.31.
Variant type: single nucleotide variant.
Coding change: c.3382C>A on transcript NM_007294.4 (MANE Select); coding-DNA position 3382, C replaced by A.
Protein change: p.Leu1128Met; replaces leucine 1128 with methionine.
Molecular consequence: missense variant. On other transcripts: intron variant (137).
Genome position (GRCh38, 1-based): chr17:43,092,149, G>T on the plus strand (C>A on the coding strand, the complement: BRCA1 is on the minus strand). VCF-style: chr17-43092149-G-T. GRCh37 (hg19) VCF-style: chr17-41244166-G-T.
Other names: c.3172C>A, p.Leu1058Met (NM_001407889.1, NM_001407900.1, NM_001407879.1 and 13 more transcripts); c.3169C>A, p.Leu1057Met (NM_001407894.1, NM_001407895.1, NM_001407896.1 and 9 more transcripts); c.3259C>A, p.Leu1087Met (NM_001407919.1, NM_001407937.1, NM_001407938.1 and 19 more transcripts); c.3118C>A, p.Leu1040Met (NM_001407920.1, NM_001407921.1, NM_001407922.1 and 9 more transcripts); c.3115C>A, p.Leu1039Met (NM_001407930.1, NM_001407931.1, NM_001407932.1 and 2 more transcripts); c.3256C>A, p.Leu1086Met (NM_001407940.1, NM_001407941.1, NM_001407649.1 and 11 more transcripts); c.3241C>A, p.Leu1081Met (NM_001407942.1, NM_001407944.1, NM_001407945.1 and 29 more transcripts); c.3238C>A, p.Leu1080Met (NM_001407943.1, NM_001407964.1, NM_001407740.1 and 20 more transcripts); and 41 more; short protein forms L1000M, L1102M, L1127M, L960M, L1016M, L1039M, L1040M, L1057M.
Identifiers: ClinVar variation 3481892 (VCV003481892.1).

ClinVar aggregate classification (germline): Uncertain significance (1 of 4 stars; one submission).

Conditions:
Hereditary cancer-predisposing syndrome. Also called: Tumor predisposition; Neoplastic Syndromes, Hereditary; Hereditary Cancer Syndrome; Hereditary neoplastic syndrome. Identifiers: Orphanet 140162, MedGen C0027672, MeSH D009386, MONDO:0015356.

Submission:

Ambry Genetics
Classification: Uncertain significance for Hereditary cancer-predisposing syndrome. Last evaluated: 2024-11-03. Review status: criteria provided, single submitter. Criteria: Ambry Variant Classification Scheme 2023. Collection method: clinical testing. Allele origin: germline.
Comment: The p.L1128M variant (also known as c.3382C>A), located in coding exon 9 of the BRCA1 gene, results from a C to A substitution at nucleotide position 3382. The leucine at codon 1128 is replaced by methionine, an amino acid with highly similar properties. This amino acid position is conserved. In addition, the in silico prediction for this alteration is inconclusive. Based on the available evidence, the clinical significance of this variant remains unclear.